The following is an entry in ClinVar:

NM_000117.3(EMD):c.187+5G>C

Gene: EMD (emerin; plus strand). Cytogenetic location: Xq28.
Variant type: single nucleotide variant.
Coding change: c.187+5G>C on transcript NM_000117.3 (MANE Select); 5 bases into the intron after coding-DNA position 187, G replaced by C.
Molecular consequence: intron variant.
Genome position (GRCh38, 1-based): chrX:154,379,799, G>C. VCF-style: chrX-154379799-G-C. GRCh37 (hg19) VCF-style: chrX-153608159-G-C.
Identifiers: ClinVar variation 2701292 (VCV002701292.3), dbSNP rs2522787819, ClinGen allele CA2697544775.

ClinVar aggregate classification (germline): Uncertain significance (1 of 4 stars; one submission).

Conditions:
X-linked Emery-Dreifuss muscular dystrophy. Also called: Muscular dystrophy, tardive Emery-Dreifuss type, with contractures. Identifiers: Orphanet 261, Orphanet 98863, MedGen C0751337, MONDO:0010680.

Submission:

Labcorp Genetics (formerly Invitae), Labcorp
Classification: Uncertain significance for X-linked Emery-Dreifuss muscular dystrophy. Last evaluated: 2023-12-06. Review status: criteria provided, single submitter. Criteria: Invitae Variant Classification Sherloc (09022015). Collection method: clinical testing. Allele origin: germline.
Comment: This sequence change falls in intron 2 of the EMD gene. It does not directly change the encoded amino acid sequence of the EMD protein. It affects a nucleotide within the consensus splice site. This variant is not present in population databases (gnomAD no frequency). This variant has not been reported in the literature in individuals affected with EMD-related conditions. Variants that disrupt the consensus splice site are a relatively common cause of aberrant splicing (PMID: 17576681, 9536098). Algorithms developed to predict the effect of sequence changes on RNA splicing suggest that this variant may disrupt the consensus splice site. In summary, the available evidence is currently insufficient to determine the role of this variant in disease. Therefore, it has been classified as a Variant of Uncertain Significance.

Literature cited by the submitters: PubMed 17576681; PubMed 9536098.